The following is an entry in ClinVar:

ClinVar aggregate classification (germline): Uncertain significance. Review status: criteria provided, multiple submitters, no conflicts (2 of 4 stars). 4 submissions from 3 submitters: Uncertain significance (4). Last evaluated 2024-08-13.

Conditions:
Hereditary spastic paraplegia 63. Also called: Spastic paraplegia 63, autosomal recessive. Identifiers: Orphanet 401805, MedGen C3810295, MONDO:0014305, OMIM 615686.
Pontocerebellar hypoplasia type 9. Identifiers: Orphanet 369920, MedGen C4014354, MONDO:0014351, OMIM 615809.
Inborn genetic diseases. Identifiers: MedGen C0950123, MeSH D030342.

Allele frequency attached by ClinVar (database versions not stated): ESP Exome Variant Server 0.00015.
gnomAD v4.1: 389 of 1,612,568 alleles (0.024%); highest among the groups gnomAD compares: Non-Finnish European, 0.032%; no homozygotes.

Submissions (4):

Labcorp Genetics (formerly Invitae), Labcorp
Classification: Uncertain significance for Pontocerebellar hypoplasia type 9; Hereditary spastic paraplegia 63. Last evaluated: 2024-08-13. Review status: criteria provided, single submitter. Criteria: Invitae Variant Classification Sherloc (09022015). Collection method: clinical testing. Allele origin: germline.
Comment: This sequence change replaces arginine, which is basic and polar, with tryptophan, which is neutral and slightly polar, at codon 207 of the AMPD2 protein (p.Arg207Trp). This variant is present in population databases (rs373334637, gnomAD 0.02%). This variant has not been reported in the literature in individuals affected with AMPD2-related conditions. ClinVar contains an entry for this variant (Variation ID: 1483839). An algorithm developed to predict the effect of missense changes on protein structure and function outputs the following: PolyPhen-2: "Benign". The tryptophan amino acid residue is found in multiple mammalian species, which suggests that this missense change does not adversely affect protein function. In summary, the available evidence is currently insufficient to determine the role of this variant in disease. Therefore, it has been classified as a Variant of Uncertain Significance.

Ambry Genetics
Classification: Uncertain significance for Inborn genetic diseases. Last evaluated: 2024-05-16. Review status: criteria provided, single submitter. Criteria: Ambry Variant Classification Scheme 2023. Collection method: clinical testing. Allele origin: germline.

Genome-Nilou Lab
Classification: Uncertain significance for Hereditary spastic paraplegia 63. Last evaluated: 2023-04-11. Review status: criteria provided, single submitter. Criteria: ACMG Guidelines, 2015. Collection method: clinical testing. Allele origin: germline. Affected: no.

Genome-Nilou Lab
Classification: Uncertain significance for Pontocerebellar hypoplasia type 9. Last evaluated: 2023-04-11. Review status: criteria provided, single submitter. Criteria: ACMG Guidelines, 2015. Collection method: clinical testing. Allele origin: germline. Affected: no.

NM_001368809.2(AMPD2):c.457C>T (p.Arg153Trp)

Gene: AMPD2 (adenosine monophosphate deaminase 2; plus strand). Cytogenetic location: 1p13.3.
Variant type: single nucleotide variant.
Coding change: c.457C>T on transcript NM_001368809.2 (MANE Select); coding-DNA position 457, C replaced by T.
Protein change: p.Arg153Trp; replaces arginine 153 with tryptophan.
Molecular consequence: missense variant.
Genome position (GRCh38, 1-based): chr1:109,626,353, C>T. VCF-style: chr1-109626353-C-T. GRCh37 (hg19) VCF-style: chr1-110168975-C-T.
Other names: c.265C>T, p.Arg89Trp (NM_001257361.2); c.394C>T, p.Arg132Trp (NM_001308170.1); c.457C>T, p.Arg153Trp (NM_004037.9); c.376C>T, p.Arg126Trp (NM_139156.4); c.619C>T (NM_004037.6); short protein forms R89W, R153W, R126W, R132W.
Identifiers: ClinVar variation 1483839 (VCV001483839.9), dbSNP rs373334637, ClinGen allele CA992806.